The following is an entry in ClinVar:

NM_001792.5(CDH2):c.998T>C (p.Val333Ala)

Gene: CDH2 (cadherin 2; minus strand). Cytogenetic location: 18q12.1.
Variant type: single nucleotide variant.
Coding change: c.998T>C on transcript NM_001792.5 (MANE Select); coding-DNA position 998, T replaced by C.
Protein change: p.Val333Ala; replaces valine 333 with alanine.
Molecular consequence: missense variant.
Genome position (GRCh38, 1-based): chr18:28,003,019, A>G on the plus strand (T>C on the coding strand, the complement: CDH2 is on the minus strand). VCF-style: chr18-28003019-A-G. GRCh37 (hg19) VCF-style: chr18-25582983-A-G.
Other names: c.905T>C, p.Val302Ala (NM_001308176.2); short protein forms V302A, V333A.
Identifiers: ClinVar variation 3657061 (VCV003657061.2).

ClinVar aggregate classification (germline): Uncertain significance (1 of 4 stars; one submission).

Submission:

Labcorp Genetics (formerly Invitae), Labcorp
Classification: Uncertain significance. Last evaluated: 2024-07-09. Review status: criteria provided, single submitter. Criteria: Invitae Variant Classification Sherloc (09022015). Collection method: clinical testing. Allele origin: germline.
Comment: This sequence change replaces valine, which is neutral and non-polar, with alanine, which is neutral and non-polar, at codon 333 of the CDH2 protein (p.Val333Ala). This variant is not present in population databases (gnomAD no frequency). This variant has not been reported in the literature in individuals affected with CDH2-related conditions. An algorithm developed to predict the effect of missense changes on protein structure and function (PolyPhen-2) suggests that this variant is likely to be disruptive. In summary, the available evidence is currently insufficient to determine the role of this variant in disease. Therefore, it has been classified as a Variant of Uncertain Significance.